The following is an entry in ClinVar:

ClinVar aggregate classification (germline): Uncertain significance (1 of 4 stars; one submission).

Conditions:
Polyglandular autoimmune syndrome, type 1 (APS1). Also called: HYPOADRENOCORTICISM WITH HYPOPARATHYROIDISM AND SUPERFICIAL MONILIASIS; Autoimmune polyendocrine syndrome type 1; Autoimmune polyendocrinopathy syndrome, type I; Autoimmune polyendocrinopathy syndrome , type I, with or without reversible metaphyseal dysplasia; AUTOIMMUNE POLYENDOCRINE SYNDROME, TYPE I, WITH OR WITHOUT REVERSIBLE METAPHYSEAL DYSPLASIA; APS I. Identifiers: Orphanet 3453, MedGen C0085859, MONDO:0009411, OMIM 240300.

Allele frequency attached by ClinVar (database versions not stated): gnomAD exomes 0.00001; TOPMed 0.00001.
gnomAD v4.1: 7 of 1,596,570 alleles (0.00044%); highest among the groups gnomAD compares: East Asian, 0.0022%; no homozygotes.

Submission:

Labcorp Genetics (formerly Invitae), Labcorp
Classification: Uncertain significance for Polyglandular autoimmune syndrome, type 1. Last evaluated: 2024-08-06. Review status: criteria provided, single submitter. Criteria: Invitae Variant Classification Sherloc (09022015). Collection method: clinical testing. Allele origin: germline.
Comment: This sequence change replaces arginine, which is basic and polar, with cysteine, which is neutral and slightly polar, at codon 456 of the AIRE protein (p.Arg456Cys). This variant is present in population databases (no rsID available, gnomAD 0.008%). This variant has not been reported in the literature in individuals affected with AIRE-related conditions. ClinVar contains an entry for this variant (Variation ID: 2179522). Advanced modeling of protein sequence and biophysical properties (such as structural, functional, and spatial information, amino acid conservation, physicochemical variation, residue mobility, and thermodynamic stability) has been performed at Invitae for this missense variant, however the output from this modeling did not meet the statistical confidence thresholds required to predict the impact of this variant on AIRE protein function. In summary, the available evidence is currently insufficient to determine the role of this variant in disease. Therefore, it has been classified as a Variant of Uncertain Significance.

NM_000383.4(AIRE):c.1366C>T (p.Arg456Cys)

Gene: AIRE (autoimmune regulator; plus strand). Cytogenetic location: 21q22.3.
Variant type: single nucleotide variant.
Coding change: c.1366C>T on transcript NM_000383.4 (MANE Select); coding-DNA position 1366, C replaced by T.
Protein change: p.Arg456Cys; replaces arginine 456 with cysteine.
Molecular consequence: missense variant.
Genome position (GRCh38, 1-based): chr21:44,293,876, C>T. VCF-style: chr21-44293876-C-T. GRCh37 (hg19) VCF-style: chr21-45713759-C-T.
Other names: short protein forms R456C.
Identifiers: ClinVar variation 2179522 (VCV002179522.3), dbSNP rs1433571125, ClinGen allele CA410425776.
Genomic context (GRCh38, chr21:44,293,876, plus strand): 5'-GTGTGCGGAGATGGTACGGACGTGCTGCGGTGTACTCACTGCGCCGCTGCCTTCCACTGG[C>T]GCTGCCACTTCCCAGCCGGCACCTCCCGGCCCGGGTGAGTGAGCGTGGTCGGCGGGGAGG-3'
Protein context (NP_000374.1, residues 446-466): CTHCAAAFHW[Arg456Cys]CHFPAGTSRP